The following is an entry in ClinVar:

NM_002834.5(PTPN11):c.127C>G (p.Leu43Val)

Gene: PTPN11 (protein tyrosine phosphatase non-receptor type 11; plus strand). Cytogenetic location: 12q24.13.
Variant type: single nucleotide variant.
Coding change: c.127C>G on transcript NM_002834.5 (MANE Select); coding-DNA position 127, C replaced by G.
Protein change: p.Leu43Val; replaces leucine 43 with valine.
Molecular consequence: missense variant.
Genome position (GRCh38, 1-based): chr12:112,446,388, C>G. VCF-style: chr12-112446388-C-G. GRCh37 (hg19) VCF-style: chr12-112884192-C-G.
Other names: c.127C>G, p.Leu43Val (NM_001330437.2, NM_001374625.1, NM_080601.3); c.127C>G (NM_002834.3); short protein forms L43V.
Identifiers: ClinVar variation 1341338 (VCV001341338.8), dbSNP rs1566164987, ClinGen allele CA386776359.

ClinVar aggregate classification (germline): Uncertain significance. Review status: criteria provided, multiple submitters, no conflicts (2 of 4 stars). 4 submissions from 4 submitters: Uncertain significance (4). Last evaluated 2025-08-25.

Conditions:
Cardiovascular phenotype. Identifiers: MedGen CN230736.
LEOPARD syndrome 1 (LPRD1). Also called: LENTIGINOSIS, CARDIOMYOPATHIC; MULTIPLE LENTIGINES SYNDROME; PTPN11-Related LEOPARD Syndrome. Identifiers: Orphanet 500, MedGen C4551484, MONDO:0100082, OMIM 151100.
Noonan syndrome 1 (NS1). Also called: FEMALE PSEUDO-TURNER SYNDROME; TURNER PHENOTYPE WITH NORMAL KARYOTYPE; PTPN11-Related Noonan Syndrome. Identifiers: Orphanet 648, MedGen C4551602, MONDO:0008104, OMIM 163950. Disease mechanism: gain of function.
Metachondromatosis (METCDS). Identifiers: Orphanet 2499, MedGen C0410530, MONDO:0007979, OMIM 156250.
Juvenile myelomonocytic leukemia (JMML). Also called: LEUKEMIA, JUVENILE MYELOMONOCYTIC, SOMATIC. Identifiers: Orphanet 86834, MedGen C0349639, MONDO:0011908, OMIM 607785, HP:0012209.
RASopathy. Also called: Noonan spectrum disorder; rasopathies. Identifiers: Orphanet 536391, MedGen C5555857, MONDO:0021060.

Allele frequency attached by ClinVar (database versions not stated): gnomAD exomes below 0.00001.
gnomAD v4.1: 3 of 1,614,122 alleles (0.00019%); highest among the groups gnomAD compares: African/African-American, 0.0027%; no homozygotes.

Submissions (4):

Labcorp Genetics (formerly Invitae), Labcorp
Classification: Uncertain significance for RASopathy. Last evaluated: 2025-08-25. Review status: criteria provided, single submitter. Criteria: Invitae Variant Classification Sherloc (09022015). Collection method: clinical testing. Allele origin: germline.
Comment: This sequence change replaces leucine, which is neutral and non-polar, with valine, which is neutral and non-polar, at codon 43 of the PTPN11 protein (p.Leu43Val). This variant is not present in population databases (gnomAD no frequency). This variant has not been reported in the literature in individuals affected with PTPN11-related conditions. ClinVar contains an entry for this variant (Variation ID: 1341338). Invitae Evidence Modeling of protein sequence and biophysical properties (such as structural, functional, and spatial information, amino acid conservation, physicochemical variation, residue mobility, and thermodynamic stability) indicates that this missense variant is expected to disrupt PTPN11 protein function with a positive predictive value of 95%. In summary, the available evidence is currently insufficient to determine the role of this variant in disease. Therefore, it has been classified as a Variant of Uncertain Significance.

Ambry Genetics
Classification: Uncertain significance for Cardiovascular phenotype. Last evaluated: 2025-08-20. Review status: criteria provided, single submitter. Criteria: Ambry Variant Classification Scheme 2023. Collection method: clinical testing. Allele origin: germline.
Comment: The p.L43V variant (also known as c.127C>G), located in coding exon 2 of the PTPN11 gene, results from a C to G substitution at nucleotide position 127. The leucine at codon 43 is replaced by valine, an amino acid with highly similar properties. This amino acid position is conserved. In addition, this alteration is predicted to be deleterious by in silico analysis. Based on the available evidence, the clinical significance of this variant remains unclear.

Baylor Genetics
Classification: Uncertain significance for LEOPARD syndrome 1. Last evaluated: 2022-01-11. Review status: criteria provided, single submitter. Criteria: ACMG Guidelines, 2015. Collection method: clinical testing. Allele origin: maternal. Affected: yes. Study: CSER-TexasKidsCanSeq.
Comment: This variant was determined to be of uncertain significance according to ACMG Guidelines, 2015 [PMID:25741868].

Fulgent Genetics
Classification: Uncertain significance for LEOPARD syndrome 1; Metachondromatosis; Noonan syndrome 1; Juvenile myelomonocytic leukemia. Last evaluated: 2021-07-07. Review status: criteria provided, single submitter. Criteria: ACMG Guidelines, 2015. Collection method: clinical testing. Allele origin: unknown.